The following is an entry in ClinVar:

NM_000038.6(APC):c.6521G>T (p.Ser2174Ile)

Gene: APC (APC regulator of Wnt signaling pathway; plus strand). Cytogenetic location: 5q22.2.
Variant type: single nucleotide variant.
Coding change: c.6521G>T on transcript NM_000038.6 (MANE Select); coding-DNA position 6521, G replaced by T.
Protein change: p.Ser2174Ile; replaces serine 2174 with isoleucine.
Molecular consequence: missense variant. On other transcripts: non-coding transcript variant (2).
Genome position (GRCh38, 1-based): chr5:112,842,115, G>T. VCF-style: chr5-112842115-G-T. GRCh37 (hg19) VCF-style: chr5-112177812-G-T.
Other names: c.6134G>T, p.Ser2045Ile (NM_001407467.1, NM_001407469.1); c.5672G>T, p.Ser1891Ile (NM_001407470.1, NM_001354906.2); c.5369G>T, p.Ser1790Ile (NM_001407471.1, NM_001407472.1); c.6521G>T, p.Ser2174Ile (NM_001127510.3, NM_001354895.2, NM_001407450.1); c.6467G>T, p.Ser2156Ile (NM_001127511.3); c.6575G>T, p.Ser2192Ile (NM_001354896.2, NM_001407447.1, NM_001407448.1 and 1 more transcripts); c.6551G>T, p.Ser2184Ile (NM_001354897.2); c.6446G>T, p.Ser2149Ile (NM_001354898.2); and 11 more; short protein forms S2073I, S2146I, S2149I, S2156I, S2202I, S2014I, S2045I, S2048I.
Identifiers: ClinVar variation 4825076 (VCV004825076.1).

ClinVar aggregate classification (germline): Uncertain significance (1 of 4 stars; one submission).

Conditions:
Hereditary cancer-predisposing syndrome. Also called: Neoplastic Syndromes, Hereditary; Tumor predisposition; Hereditary Cancer Syndrome; Hereditary neoplastic syndrome. Identifiers: Orphanet 140162, MedGen C0027672, MeSH D009386, MONDO:0015356.

gnomAD v4.1: 1 of 1,611,180 alleles (0.000062%); highest among the groups gnomAD compares: South Asian, 0.0011%; no homozygotes.

Submission:

Ambry Genetics
Classification: Uncertain significance for Hereditary cancer-predisposing syndrome. Last evaluated: 2026-02-20. Review status: criteria provided, single submitter. Criteria: Ambry Variant Classification Scheme 2023. Collection method: clinical testing. Allele origin: germline.
Comment: The p.S2174I variant (also known as c.6521G>T), located in coding exon 15 of the APC gene, results from a G to T substitution at nucleotide position 6521. The serine at codon 2174 is replaced by isoleucine, an amino acid with dissimilar properties. This amino acid position is conserved. In addition, in silico predictors for this gene do not accurately predict pathogenicity. Based on the available evidence, the clinical significance of this variant remains unclear.